The following is an entry in ClinVar:

ClinVar aggregate classification (germline): Uncertain significance. Review status: criteria provided, multiple submitters, no conflicts (2 of 4 stars). 2 submissions from 2 submitters: Uncertain significance (2). Last evaluated 2024-11-15.

Conditions:
Cardiovascular phenotype. Identifiers: MedGen CN230736.
Brugada syndrome 8 (BRGDA8). Identifiers: Orphanet 130, MedGen C2751083, MONDO:0013148, OMIM 613123.

Allele frequency attached by ClinVar (database versions not stated): gnomAD exomes below 0.00001; TOPMed below 0.00001.
gnomAD v4.1: 1 of 1,588,950 alleles (0.000063%); highest among the groups gnomAD compares: Non-Finnish European, 0.000086%; no homozygotes.

Submissions (2):

Labcorp Genetics (formerly Invitae), Labcorp
Classification: Uncertain significance for Brugada syndrome 8. Last evaluated: 2024-11-15. Review status: criteria provided, single submitter. Criteria: Invitae Variant Classification Sherloc (09022015). Collection method: clinical testing. Allele origin: germline.
Comment: This sequence change replaces arginine, which is basic and polar, with glutamine, which is neutral and polar, at codon 999 of the HCN4 protein (p.Arg999Gln). This variant is not present in population databases (gnomAD no frequency). This variant has not been reported in the literature in individuals affected with HCN4-related conditions. ClinVar contains an entry for this variant (Variation ID: 2626614). Invitae Evidence Modeling of protein sequence and biophysical properties (such as structural, functional, and spatial information, amino acid conservation, physicochemical variation, residue mobility, and thermodynamic stability) indicates that this missense variant is not expected to disrupt HCN4 protein function with a negative predictive value of 95%. In summary, the available evidence is currently insufficient to determine the role of this variant in disease. Therefore, it has been classified as a Variant of Uncertain Significance.

Ambry Genetics
Classification: Uncertain significance for Cardiovascular phenotype. Last evaluated: 2023-07-29. Review status: criteria provided, single submitter. Criteria: Ambry Variant Classification Scheme 2023. Collection method: clinical testing. Allele origin: germline.
Comment: The p.R999Q variant (also known as c.2996G>A), located in coding exon 8 of the HCN4 gene, results from a G to A substitution at nucleotide position 2996. The arginine at codon 999 is replaced by glutamine, an amino acid with highly similar properties. This amino acid position is conserved. In addition, this alteration is predicted to be tolerated by in silico analysis. Since supporting evidence is limited at this time, the clinical significance of this alteration remains unclear.

NM_005477.3(HCN4):c.2996G>A (p.Arg999Gln)

Gene: HCN4 (hyperpolarization activated cyclic nucleotide gated potassium channel 4; minus strand). Cytogenetic location: 15q24.1.
Variant type: single nucleotide variant.
Coding change: c.2996G>A on transcript NM_005477.3 (MANE Select); coding-DNA position 2996, G replaced by A.
Protein change: p.Arg999Gln; replaces arginine 999 with glutamine.
Molecular consequence: missense variant.
Genome position (GRCh38, 1-based): chr15:73,323,097, C>T on the plus strand (G>A on the coding strand, the complement: HCN4 is on the minus strand). VCF-style: chr15-73323097-C-T. GRCh37 (hg19) VCF-style: chr15-73615438-C-T.
Other names: short protein forms R999Q.
Identifiers: ClinVar variation 2626614 (VCV002626614.4), dbSNP rs1307416160, ClinGen allele CA393086517.